The following is an entry in ClinVar:

NM_001122630.2(CDKN1C):c.852T>C (p.Cys284=)

Gene: CDKN1C (cyclin dependent kinase inhibitor 1C; minus strand). Cytogenetic location: 11p15.4.
Variant type: single nucleotide variant.
Coding change: c.852T>C on transcript NM_001122630.2 (MANE Select); coding-DNA position 852, T replaced by C.
Protein change: p.Cys284=; no amino-acid change (cysteine 284 retained).
Molecular consequence: synonymous variant. On other transcripts: missense variant (1).
Genome position (GRCh38, 1-based): chr11:2,884,070, A>G on the plus strand (T>C on the coding strand, the complement: CDKN1C is on the minus strand). VCF-style: chr11-2884070-A-G. GRCh37 (hg19) VCF-style: chr11-2905300-A-G.
Other names: c.885T>C, p.Cys295= (LRG_533t1, NM_000076.2, NM_001362474.2); c.852T>C, p.Cys284= (NM_001122631.2); c.320T>C, p.Val107Ala (NM_001362475.2); short protein forms V107A.
Identifiers: ClinVar variation 598319 (VCV000598319.12), dbSNP rs1564928644, ClinGen allele CA379144889.

ClinVar aggregate classification (germline): Conflicting classifications of pathogenicity. Review status: criteria provided, conflicting classifications (1 of 4 stars). 3 submissions from 3 submitters: Uncertain significance (2); Likely benign (1). Last evaluated 2026-08-06.

Conditions:
Beckwith-Wiedemann syndrome (BWS). Also called: Exomphalos macroglossia gigantism syndrome; EMG SYNDROME. Identifiers: Orphanet 116, MedGen C0004903, MONDO:0007534, OMIM 130650.

Submissions (3):

OLLIN Analises Genomicas, OLLIN
Classification: Uncertain significance. Last evaluated: 2026-08-06. Review status: criteria provided, single submitter. Criteria: ACMG Guidelines 2015 PMID 25741868. Collection method: clinical testing. Allele origin: germline.
Comment: This synonymous variant, located in exon 3 (of 4), is absent from gnomAD and has not been identified in the literature. However, it has been reported in ClinVar (accession VCV002038605.4). According to the currently available evidence, this variant has been classified as uncertain significance (PM2_P, BP4_M).

Labcorp Genetics (formerly Invitae), Labcorp
Classification: Likely benign for Beckwith-Wiedemann syndrome. Last evaluated: 2022-07-31. Review status: criteria provided, single submitter. Criteria: Invitae Variant Classification Sherloc (09022015). Collection method: clinical testing. Allele origin: germline.

Eurofins Ntd Llc (ga)
Classification: Uncertain significance. Last evaluated: 2018-08-07. Review status: criteria provided, single submitter. Criteria: EGL ClinVar v180209 classification definitions. Collection method: clinical testing. Allele origin: germline. Observed: 1 variant allele, 1 heterozygote.